The following is an entry in ClinVar:

ClinVar aggregate classification (germline): Uncertain significance (1 of 4 stars; one submission).

Submission:

Ambry Genetics
Classification: Uncertain significance. Last evaluated: 2024-08-28. Review status: criteria provided, single submitter. Criteria: Ambry Variant Classification Scheme 2023. Collection method: clinical testing. Allele origin: germline.
Comment: The p.I1645S variant (also known as c.4934T>G), located in coding exon 16 of the POLQ gene, results from a T to G substitution at nucleotide position 4934. The isoleucine at codon 1645 is replaced by serine, an amino acid with dissimilar properties. This amino acid position is conserved. In addition, the in silico prediction for this alteration is inconclusive. Based on the available evidence, the clinical significance of this variant remains unclear.

NM_199420.4(POLQ):c.4934T>G (p.Ile1645Ser)

Gene: POLQ (DNA polymerase theta; minus strand). Cytogenetic location: 3q13.33.
Variant type: single nucleotide variant.
Coding change: c.4934T>G on transcript NM_199420.4 (MANE Select); coding-DNA position 4934, T replaced by G.
Protein change: p.Ile1645Ser; replaces isoleucine 1645 with serine.
Molecular consequence: missense variant.
Genome position (GRCh38, 1-based): chr3:121,487,997, A>C on the plus strand (T>G on the coding strand, the complement: POLQ is on the minus strand). VCF-style: chr3-121487997-A-C. GRCh37 (hg19) VCF-style: chr3-121206844-A-C.
Other names: short protein forms I1645S.
Identifiers: ClinVar variation 3422385 (VCV003422385.1).